The following is an entry in ClinVar:

ClinVar aggregate classification (germline): Benign (0 of 4 stars; one submission).

Conditions:
LAMC1-related disorder. Also called: LAMC1-related condition.

Allele frequency attached by ClinVar (database versions not stated): gnomAD exomes 0.00084; ExAC 0.00270; gnomAD 0.00797; 1000 Genomes Project 0.00799; ESP Exome Variant Server 0.00861; 1000 Genomes Project 30x 0.00890; TOPMed 0.00919.
gnomAD v4.1: 2,495 of 1,613,570 alleles (0.15%); highest among the groups gnomAD compares: African/African-American, 2.7%; 28 homozygotes.

Submission:

PreventionGenetics, part of Exact Sciences
Classification: Benign for LAMC1-related condition. Last evaluated: 2019-09-06. Review status: no assertion criteria provided. Collection method: clinical testing. Allele origin: germline.
Comment: This variant is classified as benign based on ACMG/AMP sequence variant interpretation guidelines (Richards et al. 2015 PMID: 25741868, with internal and published modifications).

NM_002293.4(LAMC1):c.4797C>T (p.Gly1599=)

Gene: LAMC1 (laminin subunit gamma 1; plus strand). Cytogenetic location: 1q25.3.
Variant type: single nucleotide variant.
Coding change: c.4797C>T on transcript NM_002293.4 (MANE Select); coding-DNA position 4797, C replaced by T.
Protein change: p.Gly1599=; no amino-acid change (glycine 1599 retained).
Molecular consequence: synonymous variant.
Genome position (GRCh38, 1-based): chr1:183,142,757, C>T. VCF-style: chr1-183142757-C-T. GRCh37 (hg19) VCF-style: chr1-183111892-C-T.
Identifiers: ClinVar variation 3038974 (VCV003038974.2), dbSNP rs35216974, ClinGen allele CA1282126.